The following is an entry in ClinVar:

NM_006306.4(SMC1A):c.1987G>A (p.Ala663Thr)

Gene: SMC1A (structural maintenance of chromosomes 1A; minus strand). Cytogenetic location: Xp11.22.
Variant type: single nucleotide variant.
Coding change: c.1987G>A on transcript NM_006306.4 (MANE Select); coding-DNA position 1987, G replaced by A.
Protein change: p.Ala663Thr; replaces alanine 663 with threonine.
Molecular consequence: missense variant.
Genome position (GRCh38, 1-based): chrX:53,405,316, C>T on the plus strand (G>A on the coding strand, the complement: SMC1A is on the minus strand). VCF-style: chrX-53405316-C-T. GRCh37 (hg19) VCF-style: chrX-53432248-C-T.
Other names: c.1921G>A, p.Ala641Thr (NM_001281463.1); short protein forms A641T, A663T.
Identifiers: ClinVar variation 4540202 (VCV004540202.1).

ClinVar aggregate classification (germline): Uncertain significance (1 of 4 stars; one submission).

Submission:

GeneDx
Classification: Uncertain significance. Last evaluated: 2025-06-25. Review status: criteria provided, single submitter. Criteria: GeneDx Variant Classification Process June 2021. Collection method: clinical testing. Allele origin: germline. Affected: yes.
Comment: Not observed at significant frequency in large population cohorts (gnomAD); Missense variants in this gene are a common cause of disease and they are underrepresented in the general population; In silico analysis supports that this missense variant has a deleterious effect on protein structure/function; Has not been previously published as pathogenic or benign to our knowledge